The following is an entry in ClinVar:

ClinVar aggregate classification (germline): Likely benign (1 of 4 stars; one submission).

Allele frequency attached by ClinVar (database versions not stated): ESP Exome Variant Server 0.00008; 1000 Genomes Project 30x 0.00016; 1000 Genomes Project 0.00020.
gnomAD v4.1: 374 of 1,610,786 alleles (0.023%); highest among the groups gnomAD compares: Middle Eastern, 0.45%; 1 homozygote.

Submission:

CeGaT Center for Human Genetics Tuebingen
Classification: Likely benign. Last evaluated: 2026-08-01. Review status: criteria provided, single submitter. Criteria: CeGaT Center For Human Genetics Tuebingen Variant Classification Criteria Version 2. Collection method: clinical testing. Allele origin: germline. Affected: yes. Observed: 4 variant alleles.
Comment: HYDIN: BP4

NM_001270974.2(HYDIN):c.6551C>T (p.Pro2184Leu)

Gene: HYDIN (HYDIN axonemal central pair apparatus protein; minus strand). Cytogenetic location: 16q22.2.
Variant type: single nucleotide variant.
Coding change: c.6551C>T on transcript NM_001270974.2 (MANE Select); coding-DNA position 6551, C replaced by T.
Protein change: p.Pro2184Leu; replaces proline 2184 with leucine.
Molecular consequence: missense variant.
Genome position (GRCh38, 1-based): chr16:70,943,930, G>A on the plus strand (C>T on the coding strand, the complement: HYDIN is on the minus strand). VCF-style: chr16-70943930-G-A. GRCh37 (hg19) VCF-style: chr16-70977833-G-A.
Other names: short protein forms P2184L.
Identifiers: ClinVar variation 2646755 (VCV002646755.24), dbSNP rs201833742, ClinGen allele CA8150252.